The following is an entry in ClinVar:

ClinVar aggregate classification (germline): Likely pathogenic (1 of 4 stars; one submission).

Conditions:
Nemaline myopathy 2 (NEM2). Also called: Nemaline myopathy 2, autosomal recessive. Identifiers: MedGen C1850569, MONDO:0009725, OMIM 256030.

Submission:

Natera, Inc.
Classification: Likely pathogenic for Nemaline myopathy type 2. Last evaluated: 2024-10-01. Review status: criteria provided, single submitter. Criteria: Natera Variant Classification Schema (03/2026). Collection method: clinical testing. Allele origin: germline.
Comment: The c.748C>T variant in NEB is a nonsense variant predicted to introduce a stop codon at amino acid 250. This variant is expected to result in nonsense mediated decay, truncation, or a dysfunctional protein product. This variant is rare in the general population with a frequency below the threshold expected for the associated phenotype(s). Given the available evidence, this variant is classified as Likely Pathogenic.

NM_001164508.2(NEB):c.748C>T (p.Gln250Ter)

Gene: NEB (nebulin; minus strand). Cytogenetic location: 2q23.3.
Variant type: single nucleotide variant.
Coding change: c.748C>T on transcript NM_001164508.2 (MANE Select); coding-DNA position 748, C replaced by T.
Protein change: p.Gln250Ter; replaces glutamine 250 with a stop codon.
Molecular consequence: nonsense.
Genome position (GRCh38, 1-based): chr2:151,717,490, G>A on the plus strand (C>T on the coding strand, the complement: NEB is on the minus strand). VCF-style: chr2-151717490-G-A. GRCh37 (hg19) VCF-style: chr2-152574004-G-A.
Other names: c.748C>T, p.Gln250Ter (NM_001164507.2, NM_001271208.2, NM_004543.5); short protein forms Q250*.
Identifiers: ClinVar variation 4814785 (VCV004814785.1).